The following is an entry in ClinVar:

ClinVar aggregate classification (germline): Uncertain significance (1 of 4 stars; one submission).

Submission:

GeneDx
Classification: Uncertain significance. Last evaluated: 2025-06-12. Review status: criteria provided, single submitter. Criteria: GeneDx Variant Classification Process June 2021. Collection method: clinical testing. Allele origin: germline. Affected: yes.
Comment: Not observed at significant frequency in large population cohorts (gnomAD); In silico analysis suggests that this missense variant does not alter protein structure/function; Has not been previously published as pathogenic or benign to our knowledge

NM_000540.3(RYR1):c.4732A>G (p.Met1578Val)

Gene: RYR1 (ryanodine receptor 1; plus strand). Cytogenetic location: 19q13.2.
Variant type: single nucleotide variant.
Coding change: c.4732A>G on transcript NM_000540.3 (MANE Select); coding-DNA position 4732, A replaced by G.
Protein change: p.Met1578Val; replaces methionine 1578 with valine.
Molecular consequence: missense variant.
Genome position (GRCh38, 1-based): chr19:38,483,314, A>G. VCF-style: chr19-38483314-A-G. GRCh37 (hg19) VCF-style: chr19-38973954-A-G.
Other names: c.4732A>G, p.Met1578Val (NM_001042723.2); short protein forms M1578V.
Identifiers: ClinVar variation 4537713 (VCV004537713.1).
Genomic context (GRCh38, chr19:38,483,314, plus strand): 5'-GGCCATCTTGACCCATGTGTGTCTCTCTGCCCTCAGAACATCATGCCGTTGTCAGCCGCC[A>G]TGTTCCAAAGCGAGCGCAAGAACCCGGCCCCGCAGTGCCCACCGCGGCTGGAGATGCAGA-3'
Protein context (NP_000531.2, residues 1568-1588): QKNIMPLSAA[Met1578Val]FQSERKNPAP